The following is an entry in ClinVar:

ClinVar aggregate classification (germline): Uncertain significance. Review status: criteria provided, multiple submitters, no conflicts (2 of 4 stars). 2 submissions from 2 submitters: Uncertain significance (2). Last evaluated 2025-01-17.

Conditions:
Hereditary cancer-predisposing syndrome. Also called: Hereditary neoplastic syndrome; Neoplastic Syndromes, Hereditary; Tumor predisposition; Hereditary Cancer Syndrome. Identifiers: Orphanet 140162, MedGen C0027672, MeSH D009386, MONDO:0015356.
Familial adenomatous polyposis 1 (FAP1). Also called: FAMILIAL ADENOMATOUS POLYPOSIS 1, ATTENUATED; POLYPOSIS, ADENOMATOUS INTESTINAL. Identifiers: MedGen C2713442, MONDO:0021056, OMIM 175100. Disease mechanism: loss of function.

gnomAD v4.1: 1 of 1,613,858 alleles (0.000062%); highest among the groups gnomAD compares: Non-Finnish European, 0.000085%; no homozygotes.

Submissions (2):

Labcorp Genetics (formerly Invitae), Labcorp
Classification: Uncertain significance for Familial adenomatous polyposis 1. Last evaluated: 2025-01-17. Review status: criteria provided, single submitter. Criteria: Invitae Variant Classification Sherloc (09022015). Collection method: clinical testing. Allele origin: germline.
Comment: This sequence change replaces serine, which is neutral and polar, with threonine, which is neutral and polar, at codon 2640 of the APC protein (p.Ser2640Thr). This variant is not present in population databases (gnomAD no frequency). This variant has not been reported in the literature in individuals affected with APC-related conditions. ClinVar contains an entry for this variant (Variation ID: 1006571). Invitae Evidence Modeling of protein sequence and biophysical properties (such as structural, functional, and spatial information, amino acid conservation, physicochemical variation, residue mobility, and thermodynamic stability) indicates that this missense variant is not expected to disrupt APC protein function with a negative predictive value of 95%. In summary, the available evidence is currently insufficient to determine the role of this variant in disease. Therefore, it has been classified as a Variant of Uncertain Significance.

Ambry Genetics
Classification: Uncertain significance for Hereditary cancer-predisposing syndrome. Last evaluated: 2023-12-14. Review status: criteria provided, single submitter. Criteria: Ambry Variant Classification Scheme 2023. Collection method: clinical testing. Allele origin: germline.
Comment: The p.S2640T variant (also known as c.7918T>A), located in coding exon 15 of the APC gene, results from a T to A substitution at nucleotide position 7918. The serine at codon 2640 is replaced by threonine, an amino acid with similar properties. This amino acid position is conserved. In addition, in silico predictors for this gene do not accurately predict pathogenicity. Since supporting evidence is limited at this time, the clinical significance of this alteration remains unclear.

NM_000038.6(APC):c.7918T>A (p.Ser2640Thr)

Gene: APC (APC regulator of Wnt signaling pathway; plus strand). Cytogenetic location: 5q22.2.
Variant type: single nucleotide variant.
Coding change: c.7918T>A on transcript NM_000038.6 (MANE Select); coding-DNA position 7918, T replaced by A.
Protein change: p.Ser2640Thr; replaces serine 2640 with threonine.
Molecular consequence: missense variant.
Genome position (GRCh38, 1-based): chr5:112,843,512, T>A. VCF-style: chr5-112843512-T-A. GRCh37 (hg19) VCF-style: chr5-112179209-T-A.
Other names: c.7918T>A, p.Ser2640Thr (NM_001127510.3, NM_001354895.2); c.7864T>A, p.Ser2622Thr (NM_001127511.3); c.7972T>A, p.Ser2658Thr (NM_001354896.2); c.7948T>A, p.Ser2650Thr (NM_001354897.2); c.7843T>A, p.Ser2615Thr (NM_001354898.2); c.7834T>A, p.Ser2612Thr (NM_001354899.2); c.7795T>A, p.Ser2599Thr (NM_001354900.2); c.7741T>A, p.Ser2581Thr (NM_001354901.2); and 6 more; short protein forms S2357T, S2480T, S2514T, S2539T, S2549T, S2581T, S2599T, S2612T.
Identifiers: ClinVar variation 1006571 (VCV001006571.11), dbSNP rs1554088753, ClinGen allele CA16038524.
Genomic context (GRCh38, chr5:112,843,512, plus strand): 5'-TTTTCTCCCACAAATAGTACTTCTCAGACCGTTTCCTCAGGTGCTACAAATGGTGCTGAA[T>A]CAAAGACTCTAATTTATCAAATGGCACCTGCTGTTTCTAAAACAGAGGATGTTTGGGTGA-3'
Protein context (NP_000029.2, residues 2630-2650): VSSGATNGAE[Ser2640Thr]KTLIYQMAPA